The following is an entry in ClinVar:

ClinVar aggregate classification (germline): Pathogenic (1 of 4 stars; one submission).

Conditions:
Luscan-Lumish syndrome. Identifiers: Orphanet 597738, MedGen C4085873, MONDO:0014791, OMIM 616831.

Submission:

Labcorp Genetics (formerly Invitae), Labcorp
Classification: Pathogenic for Luscan-Lumish syndrome. Last evaluated: 2020-07-07. Review status: criteria provided, single submitter. Criteria: Invitae Variant Classification Sherloc (09022015). Collection method: clinical testing. Allele origin: germline.
Comment: For these reasons, this variant has been classified as Pathogenic. Loss-of-function variants in SETD2 are known to be pathogenic (PMID: 24852293, 26084711). This variant has not been reported in the literature in individuals with SETD2-related conditions. This variant is not present in population databases (ExAC no frequency). This sequence change creates a premature translational stop signal (p.Glu1746*) in the SETD2 gene. It is expected to result in an absent or disrupted protein product.

Literature cited by the submitters: PubMed 24852293; PubMed 26084711.

NM_014159.7(SETD2):c.5236G>T (p.Glu1746Ter)

Gene: SETD2 (SET domain containing 2, histone lysine methyltransferase; minus strand). Cytogenetic location: 3p21.31.
Variant type: single nucleotide variant.
Coding change: c.5236G>T on transcript NM_014159.7 (MANE Select); coding-DNA position 5236, G replaced by T.
Protein change: p.Glu1746Ter; replaces glutamic acid 1746 with a stop codon.
Molecular consequence: nonsense. On other transcripts: non-coding transcript variant (1).
Genome position (GRCh38, 1-based): chr3:47,088,154, C>A on the plus strand (G>T on the coding strand, the complement: SETD2 is on the minus strand). VCF-style: chr3-47088154-C-A. GRCh37 (hg19) VCF-style: chr3-47129644-C-A.
Other names: c.5104G>T, p.Glu1702Ter (NM_001349370.3); short protein forms E1702*, E1746*.
Identifiers: ClinVar variation 1073170 (VCV001073170.5), dbSNP rs2107651058, ClinGen allele CA352511042.